The following is an entry in ClinVar:

NM_001040436.3(YARS2):c.634G>A (p.Glu212Lys)

Gene: YARS2 (tyrosyl-tRNA synthetase 2; minus strand). Cytogenetic location: 12p11.21.
Variant type: single nucleotide variant.
Coding change: c.634G>A on transcript NM_001040436.3 (MANE Select); coding-DNA position 634, G replaced by A.
Protein change: p.Glu212Lys; replaces glutamic acid 212 with lysine.
Molecular consequence: missense variant.
Genome position (GRCh38, 1-based): chr12:32,755,241, C>T on the plus strand (G>A on the coding strand, the complement: YARS2 is on the minus strand). VCF-style: chr12-32755241-C-T. GRCh37 (hg19) VCF-style: chr12-32908175-C-T.
Other names: short protein forms E212K.
Identifiers: ClinVar variation 1993315 (VCV001993315.4), dbSNP rs762813092, ClinGen allele CA384373500.
Genomic context (GRCh38, chr12:32,755,241, plus strand): 5'-GGTAATAGAAGTCATAGGCCTGGAGCACCTGGTAAAAGAACTCGGCCAAGCTCATGCCCT[C>T]GGGGCTCTTGAGCCGCAGCTGCACGCTCTGCCGGCTCAGCAGCGTCCCCATGCGGAAGTG-3'
Protein context (NP_001035526.1, residues 202-222): QSVQLRLKSP[Glu212Lys]GMSLAEFFYQ

ClinVar aggregate classification (germline): Uncertain significance (1 of 4 stars; one submission).

Submission:

Labcorp Genetics (formerly Invitae), Labcorp
Classification: Uncertain significance. Last evaluated: 2023-08-04. Review status: criteria provided, single submitter. Criteria: Invitae Variant Classification Sherloc (09022015). Collection method: clinical testing. Allele origin: germline.
Comment: Advanced modeling of protein sequence and biophysical properties (such as structural, functional, and spatial information, amino acid conservation, physicochemical variation, residue mobility, and thermodynamic stability) performed at Invitae indicates that this missense variant is not expected to disrupt YARS2 protein function. This sequence change replaces glutamic acid, which is acidic and polar, with lysine, which is basic and polar, at codon 212 of the YARS2 protein (p.Glu212Lys). This variant is not present in population databases (gnomAD no frequency). This variant has not been reported in the literature in individuals affected with YARS2-related conditions. ClinVar contains an entry for this variant (Variation ID: 1993315). In summary, the available evidence is currently insufficient to determine the role of this variant in disease. Therefore, it has been classified as a Variant of Uncertain Significance.